The following is an entry in ClinVar:

NM_001272046.2(VWA2):c.1882G>T (p.Ala628Ser)

Genes: AFAP1L2 (actin filament associated protein 1 like 2; minus strand), VWA2 (von Willebrand factor A domain containing 2; plus strand). Cytogenetic location: 10q25.3.
Variant type: single nucleotide variant.
Coding change: c.1882G>T on transcript NM_001272046.2 (MANE Select); coding-DNA position 1882, G replaced by T.
Protein change: p.Ala628Ser; replaces alanine 628 with serine.
Molecular consequence: missense variant.
Genome position (GRCh38, 1-based): chr10:114,289,249, G>T. VCF-style: chr10-114289249-G-T. GRCh37 (hg19) VCF-style: chr10-116049008-G-T.
Other names: c.1882G>T, p.Ala628Ser (NM_001320804.1); short protein forms A628S.
Identifiers: ClinVar variation 725234 (VCV000725234.5), dbSNP rs867469596, ClinGen allele CA5700809.

ClinVar aggregate classification (germline): Likely benign. Review status: criteria provided, single submitter (1 of 4 stars). 2 submissions from 2 submitters: Likely benign (1). 1 of the submissions does not count toward it. Last evaluated 2018-08-15.

Conditions:
VWA2-related disorder. Also called: VWA2-related condition.

Allele frequency attached by ClinVar (database versions not stated): gnomAD 0.00003; gnomAD exomes 0.00007 and 0.00037; TOPMed 0.00008; ExAC 0.00039.
gnomAD v4.1: 105 of 1,613,980 alleles (0.0065%); highest among the groups gnomAD compares: Admixed American, 0.17%; 1 homozygote.

Submissions (2):

Labcorp Genetics (formerly Invitae), Labcorp
Classification: Likely benign. Last evaluated: 2018-08-15. Review status: criteria provided, single submitter. Criteria: Invitae Variant Classification Sherloc (09022015). Collection method: clinical testing. Allele origin: germline.

PreventionGenetics, part of Exact Sciences
Classification: Likely benign for VWA2-related condition. Last evaluated: 2022-03-09. Review status: no assertion criteria provided. Collection method: clinical testing. Allele origin: germline. Not counted in ClinVar's aggregate classification.
Comment: This variant is classified as likely benign based on ACMG/AMP sequence variant interpretation guidelines (Richards et al. 2015 PMID: 25741868, with internal and published modifications).